The following is an entry in ClinVar:

ClinVar aggregate classification (germline): Uncertain significance (1 of 4 stars; one submission).

Conditions:
Hereditary cancer-predisposing syndrome. Also called: Neoplastic Syndromes, Hereditary; Hereditary Cancer Syndrome; Tumor predisposition; Hereditary neoplastic syndrome. Identifiers: Orphanet 140162, MedGen C0027672, MeSH D009386, MONDO:0015356.

Submission:

Ambry Genetics
Classification: Uncertain significance for Hereditary cancer-predisposing syndrome. Last evaluated: 2024-12-20. Review status: criteria provided, single submitter. Criteria: Ambry Variant Classification Scheme 2023. Collection method: clinical testing. Allele origin: germline.
Comment: The p.Q736H variant (also known as c.2208G>T), located in coding exon 21 of the RB1 gene, results from a G to T substitution at nucleotide position 2208. The glutamine at codon 736 is replaced by histidine, an amino acid with highly similar properties. This amino acid position is conserved. In addition, this alteration is predicted to be deleterious by in silico analysis. Based on the available evidence, the clinical significance of this variant remains unclear.

NM_000321.3(RB1):c.2208G>T (p.Gln736His)

Gene: RB1 (RB transcriptional corepressor 1; plus strand). Cytogenetic location: 13q14.2.
Variant type: single nucleotide variant.
Coding change: c.2208G>T on transcript NM_000321.3 (MANE Select); coding-DNA position 2208, G replaced by T.
Protein change: p.Gln736His; replaces glutamine 736 with histidine.
Molecular consequence: missense variant.
Genome position (GRCh38, 1-based): chr13:48,463,832, G>T. VCF-style: chr13-48463832-G-T. GRCh37 (hg19) VCF-style: chr13-49037968-G-T.
Other names: c.2208G>T, p.Gln736His (NM_001407165.1); short protein forms Q736H.
Identifiers: ClinVar variation 3787271 (VCV003787271.1).